The following is an entry in ClinVar:

NM_014055.4(IFT81):c.1500G>T (p.Lys500Asn)

Gene: IFT81 (intraflagellar transport 81; plus strand). Cytogenetic location: 12q24.11.
Variant type: single nucleotide variant.
Coding change: c.1500G>T on transcript NM_014055.4 (MANE Select); coding-DNA position 1500, G replaced by T.
Protein change: p.Lys500Asn; replaces lysine 500 with asparagine.
Molecular consequence: missense variant. On other transcripts: non-coding transcript variant (4).
Genome position (GRCh38, 1-based): chr12:110,192,649, G>T. VCF-style: chr12-110192649-G-T. GRCh37 (hg19) VCF-style: chr12-110630454-G-T.
Other names: c.1500G>T, p.Lys500Asn (NM_001143779.2); c.570G>T, p.Lys190Asn (NM_001347947.2, NM_001347948.2); short protein forms K190N, K500N.
Identifiers: ClinVar variation 1063068 (VCV001063068.9), dbSNP rs777336832, ClinGen allele CA243930995.

ClinVar aggregate classification (germline): Uncertain significance (1 of 4 stars; one submission).

Allele frequency attached by ClinVar (database versions not stated): gnomAD 0.00001; TOPMed 0.00001; gnomAD exomes 0.00002 and 0.00003.
gnomAD v4.1: 44 of 1,587,806 alleles (0.0028%); highest among the groups gnomAD compares: Non-Finnish European, 0.0036%; no homozygotes.

Submission:

Labcorp Genetics (formerly Invitae), Labcorp
Classification: Uncertain significance. Last evaluated: 2022-08-29. Review status: criteria provided, single submitter. Criteria: Invitae Variant Classification Sherloc (09022015). Collection method: clinical testing. Allele origin: germline.
Comment: This sequence change replaces lysine, which is basic and polar, with asparagine, which is neutral and polar, at codon 500 of the IFT81 protein (p.Lys500Asn). In summary, the available evidence is currently insufficient to determine the role of this variant in disease. Therefore, it has been classified as a Variant of Uncertain Significance. Algorithms developed to predict the effect of missense changes on protein structure and function are either unavailable or do not agree on the potential impact of this missense change (SIFT: "Deleterious"; PolyPhen-2: "Probably Damaging"; Align-GVGD: "Class C0"). ClinVar contains an entry for this variant (Variation ID: 1063068). This variant has not been reported in the literature in individuals affected with IFT81-related conditions. This variant is present in population databases (rs777336832, gnomAD 0.005%).